The following is an entry in ClinVar:

ClinVar aggregate classification (germline): Uncertain significance (1 of 4 stars; one submission).

Conditions:
Alpha thalassemia-X-linked intellectual disability syndrome (ATRX). Also called: ALPHA-THALASSEMIA/MENTAL RETARDATION SYNDROME, X-LINKED; ATR, NONDELETION TYPE; ALPHA-THALASSEMIA/IMPAIRED INTELLECTUAL DEVELOPMENT SYNDROME, X-LINKED; X-linked alpha-thalassemia-mental retardation syndrome; ATR-X syndrome; Alpha thalassemia mental retardation syndrome, nondeletion type, X-linked. Identifiers: Orphanet 847, MedGen C1845055, MONDO:0010519, OMIM 301040.

Allele frequency attached by ClinVar (database versions not stated): gnomAD exomes below 0.00001; TOPMed 0.00001.
gnomAD v4.1: 5 of 1,211,307 alleles (0.00041%); highest among the groups gnomAD compares: Non-Finnish European, 0.00056%; no homozygotes.

Submission:

Labcorp Genetics (formerly Invitae), Labcorp
Classification: Uncertain significance for Alpha thalassemia-X-linked intellectual disability syndrome. Last evaluated: 2023-07-25. Review status: criteria provided, single submitter. Criteria: Invitae Variant Classification Sherloc (09022015). Collection method: clinical testing. Allele origin: germline.
Comment: In summary, the available evidence is currently insufficient to determine the role of this variant in disease. Therefore, it has been classified as a Variant of Uncertain Significance. Advanced modeling of protein sequence and biophysical properties (such as structural, functional, and spatial information, amino acid conservation, physicochemical variation, residue mobility, and thermodynamic stability) performed at Invitae indicates that this missense variant is not expected to disrupt ATRX protein function. ClinVar contains an entry for this variant (Variation ID: 570340). This variant has not been reported in the literature in individuals affected with ATRX-related conditions. This variant is not present in population databases (gnomAD no frequency). This sequence change replaces leucine, which is neutral and non-polar, with isoleucine, which is neutral and non-polar, at codon 924 of the ATRX protein (p.Leu924Ile).

NM_000489.6(ATRX):c.2770C>A (p.Leu924Ile)

Gene: ATRX (ATRX chromatin remodeler; minus strand). Cytogenetic location: Xq21.1.
Variant type: single nucleotide variant.
Coding change: c.2770C>A on transcript NM_000489.6 (MANE Select); coding-DNA position 2770, C replaced by A.
Protein change: p.Leu924Ile; replaces leucine 924 with isoleucine.
Molecular consequence: missense variant.
Genome position (GRCh38, 1-based): chrX:77,682,486, G>T on the plus strand (C>A on the coding strand, the complement: ATRX is on the minus strand). VCF-style: chrX-77682486-G-T. GRCh37 (hg19) VCF-style: chrX-76937978-G-T.
Other names: c.2656C>A, p.Leu886Ile (NM_138270.5); short protein forms L924I, L886I.
Identifiers: ClinVar variation 570340 (VCV000570340.11), dbSNP rs1569538903, ClinGen allele CA413710558.
Genomic context (GRCh38, chrX:77,682,486, plus strand): 5'-CTTTAGTTTCAGCAACTTTTCTAACTTCCAAAGAAGTAAAACTCTCCTCTTTCCCAGAAA[G>T]CTTATCGACACCATCAGTGGAAGCACTTGCTTGCTGCTTCTTAGGAAGTCGATCTCTTAA-3'
Protein context (NP_000480.3, residues 914-934): ASASTDGVDK[Leu924Ile]SGKEESFTSL